The following is an entry in ClinVar:

ClinVar aggregate classification (germline): Uncertain significance (1 of 4 stars; one submission).

Submission:

GeneDx
Classification: Uncertain significance. Last evaluated: 2024-08-27. Review status: criteria provided, single submitter. Criteria: GeneDx Variant Classification Process June 2021. Collection method: clinical testing. Allele origin: germline. Affected: yes.
Comment: Not observed at significant frequency in large population cohorts (gnomAD); In silico analysis indicates that this missense variant does not alter protein structure/function; Has not been previously published as pathogenic or benign to our knowledge

NM_001009944.3(PKD1):c.3922C>G (p.Gln1308Glu)

Gene: PKD1 (polycystin 1, transient receptor potential channel interacting; minus strand). Cytogenetic location: 16p13.3.
Variant type: single nucleotide variant.
Coding change: c.3922C>G on transcript NM_001009944.3 (MANE Select); coding-DNA position 3922, C replaced by G.
Protein change: p.Gln1308Glu; replaces glutamine 1308 with glutamic acid.
Molecular consequence: missense variant.
Genome position (GRCh38, 1-based): chr16:2,111,245, G>C on the plus strand (C>G on the coding strand, the complement: PKD1 is on the minus strand). VCF-style: chr16-2111245-G-C. GRCh37 (hg19) VCF-style: chr16-2161246-G-C.
Other names: c.3922C>G, p.Gln1308Glu (NM_000296.4); short protein forms Q1308E.
Identifiers: ClinVar variation 3766290 (VCV003766290.1).